The following is an entry in ClinVar:

NM_000051.4(ATM):c.489G>C (p.Gln163His)

Gene: ATM (ATM serine/threonine kinase; plus strand). Cytogenetic location: 11q22.3.
Variant type: single nucleotide variant.
Coding change: c.489G>C on transcript NM_000051.4 (MANE Select); coding-DNA position 489, G replaced by C.
Protein change: p.Gln163His; replaces glutamine 163 with histidine.
Molecular consequence: missense variant.
Genome position (GRCh38, 1-based): chr11:108,235,827, G>C. VCF-style: chr11-108235827-G-C. GRCh37 (hg19) VCF-style: chr11-108106554-G-C.
Other names: c.489G>C, p.Gln163His (NM_001351834.2); short protein forms Q163H.
Identifiers: ClinVar variation 918845 (VCV000918845.13), dbSNP rs1057523087, ClinGen allele CA382525718.
Genomic context (GRCh38, chr11:108,235,827, plus strand): 5'-CATACTACTCAAAGACATTCTTTCTGTGAGAAAATACTGGTGTGAAATATCTCAGCAACA[G>C]TGGTTAGGTATGTTTTGAAGGTTGTTGTTTGTGAATTTTTCCTCATGAAATGAAACTTCA-3'
Protein context (NP_000042.3, residues 153-173): RKYWCEISQQ[Gln163His]WLELFSVYFR

ClinVar aggregate classification (germline): Uncertain significance. Review status: criteria provided, multiple submitters, no conflicts (2 of 4 stars). 2 submissions from 2 submitters: Uncertain significance (2). Last evaluated 2023-12-05.

Conditions:
Hereditary cancer-predisposing syndrome. Also called: Hereditary Cancer Syndrome; Hereditary neoplastic syndrome; Neoplastic Syndromes, Hereditary; Tumor predisposition. Identifiers: Orphanet 140162, MedGen C0027672, MeSH D009386, MONDO:0015356.
Ataxia-telangiectasia syndrome (AT). Also called: Ataxia-telangiectasia, complementation group E; LOUIS-BAR SYNDROME; Cerebello-oculocutaneous telangiectasia; Immunodeficiency with ataxia telangiectasia; Ataxia-telangiectasia, complementation group D; AT, COMPLEMENTATION GROUP C. Identifiers: Orphanet 100, MedGen C0004135, MONDO:0008840, OMIM 208900.

Submissions (2):

Color Diagnostics, LLC DBA Color Health
Classification: Uncertain significance for Hereditary cancer-predisposing syndrome. Last evaluated: 2023-12-05. Review status: criteria provided, single submitter. Criteria: ACMG Guidelines, 2015. Collection method: clinical testing. Allele origin: germline.
Comment: This missense variant replaces glutamine with histidine at codon 163 of the ATM protein. Computational prediction suggests that this variant may not impact protein structure and function (internally defined REVEL score threshold <= 0.5, PMID: 27666373). To our knowledge, functional studies have not been reported for this variant. This variant has not been reported in individuals affected with ATM-related disorders in the literature. This variant has not been identified in the general population by the Genome Aggregation Database (gnomAD). The available evidence is insufficient to determine the role of this variant in disease conclusively. Therefore, this variant is classified as a Variant of Uncertain Significance.

Labcorp Genetics (formerly Invitae), Labcorp
Classification: Uncertain significance for Ataxia-telangiectasia syndrome. Last evaluated: 2020-09-24. Review status: criteria provided, single submitter. Criteria: Invitae Variant Classification Sherloc (09022015). Collection method: clinical testing. Allele origin: germline.
Comment: In summary, the available evidence is currently insufficient to determine the role of this variant in disease. Therefore, it has been classified as a Variant of Uncertain Significance. Advanced modeling of protein sequence and biophysical properties (such as structural, functional, and spatial information, amino acid conservation, physicochemical variation, residue mobility, and thermodynamic stability) performed at Invitae indicates that this missense variant is not expected to disrupt ATM protein function. This variant has not been reported in the literature in individuals with ATM-related conditions. ClinVar contains an entry for this variant (Variation ID: 918845). This variant is not present in population databases (ExAC no frequency). This sequence change replaces glutamine with histidine at codon 163 of the ATM protein (p.Gln163His). The glutamine residue is moderately conserved and there is a small physicochemical difference between glutamine and histidine.